The following is an entry in ClinVar:

NM_021870.3(FGG):c.1219A>T (p.Lys407Ter)

Gene: FGG (fibrinogen gamma chain; minus strand). Cytogenetic location: 4q32.1.
Variant type: single nucleotide variant.
Coding change: c.1219A>T on transcript NM_021870.3 (MANE Select); coding-DNA position 1219, A replaced by T.
Protein change: p.Lys407Ter; replaces lysine 407 with a stop codon.
Molecular consequence: nonsense.
Genome position (GRCh38, 1-based): chr4:154,604,977, T>A on the plus strand (A>T on the coding strand, the complement: FGG is on the minus strand). VCF-style: chr4-154604977-T-A. GRCh37 (hg19) VCF-style: chr4-155526129-T-A.
Other names: c.1219A>T, p.Lys407Ter (NM_000509.6); short protein forms K407*.
Identifiers: ClinVar variation 4996537 (VCV004996537.1).

ClinVar aggregate classification (germline): Likely pathogenic (1 of 4 stars; one submission).

Conditions:
FGG-related disorder. Also called: FGG-related condition.

Submission:

PreventionGenetics, part of Exact Sciences
Classification: Likely pathogenic for FGG-related condition. Last evaluated: 2026-04-13. Review status: criteria provided, single submitter. Criteria: ACMG Guidelines, 2015. Collection method: clinical testing. Allele origin: germline.
Comment: The FGG c.1219A>T variant is predicted to result in premature protein termination (p.Lys407*). To our knowledge, this variant has not been reported in the literature or in a large population database (gnomAD), indicating this variant is rare. This variant resides in the final exon of transcript NM_021870.2, and it is unclear if the resulting mRNA would undergo nonsense-mediated decay. However, a truncation at codon 407 removes greater than ten percent of the total protein coding sequence which is predicted to alter protein function. This variant is interpreted as likely pathogenic.